The following is an entry in ClinVar:

NM_004565.3(PEX14):c.946G>A (p.Glu316Lys)

Gene: PEX14 (peroxisomal biogenesis factor 14; plus strand). Cytogenetic location: 1p36.22.
Variant type: single nucleotide variant.
Coding change: c.946G>A on transcript NM_004565.3 (MANE Select); coding-DNA position 946, G replaced by A.
Protein change: p.Glu316Lys; replaces glutamic acid 316 with lysine.
Molecular consequence: missense variant.
Genome position (GRCh38, 1-based): chr1:10,629,799, G>A. VCF-style: chr1-10629799-G-A. GRCh37 (hg19) VCF-style: chr1-10689856-G-A.
Other names: short protein forms E316K.
Identifiers: ClinVar variation 1463497 (VCV001463497.8), dbSNP rs903736101, ClinGen allele CA17855105.

ClinVar aggregate classification (germline): Uncertain significance (1 of 4 stars; one submission).

Conditions:
Peroxisome biogenesis disorder, complementation group K (CGK). Identifiers: MedGen C1866257, MONDO:0800365.

gnomAD v4.1: 16 of 1,585,654 alleles (0.001%); highest among the groups gnomAD compares: Non-Finnish European, 0.0014%; no homozygotes.

Submission:

Labcorp Genetics (formerly Invitae), Labcorp
Classification: Uncertain significance for Peroxisome biogenesis disorder, complementation group K. Last evaluated: 2024-10-24. Review status: criteria provided, single submitter. Criteria: Invitae Variant Classification Sherloc (09022015). Collection method: clinical testing. Allele origin: germline.
Comment: This sequence change replaces glutamic acid, which is acidic and polar, with lysine, which is basic and polar, at codon 316 of the PEX14 protein (p.Glu316Lys). This variant is not present in population databases (gnomAD no frequency). This variant has not been reported in the literature in individuals affected with PEX14-related conditions. ClinVar contains an entry for this variant (Variation ID: 1463497). Invitae Evidence Modeling of protein sequence and biophysical properties (such as structural, functional, and spatial information, amino acid conservation, physicochemical variation, residue mobility, and thermodynamic stability) has been performed for this missense variant. However, the output from this modeling did not meet the statistical confidence thresholds required to predict the impact of this variant on PEX14 protein function. In summary, the available evidence is currently insufficient to determine the role of this variant in disease. Therefore, it has been classified as a Variant of Uncertain Significance.